The following is an entry in ClinVar:

NM_001111125.3(IQSEC2):c.579C>A (p.Gly193=)

Gene: IQSEC2 (IQ motif and Sec7 domain ArfGEF 2; minus strand). Cytogenetic location: Xp11.22.
Variant type: single nucleotide variant.
Coding change: c.579C>A on transcript NM_001111125.3 (MANE Select); coding-DNA position 579, C replaced by A.
Protein change: p.Gly193=; no amino-acid change (glycine 193 retained).
Molecular consequence: synonymous variant.
Genome position (GRCh38, 1-based): chrX:53,320,545, G>T on the plus strand (C>A on the coding strand, the complement: IQSEC2 is on the minus strand). VCF-style: chrX-53320545-G-T. GRCh37 (hg19) VCF-style: chrX-53349743-G-T.
Identifiers: ClinVar variation 515365 (VCV000515365.1), dbSNP rs1556880030, ClinGen allele CA516547337.

ClinVar aggregate classification (germline): Likely benign (1 of 4 stars; one submission).

Allele frequency attached by ClinVar (database versions not stated): TOPMed below 0.00001; gnomAD 0.00001.
gnomAD v4.1: 1 of 1,154,000 alleles (0.000087%); highest among the groups gnomAD compares: Non-Finnish European, 0.00012%; no homozygotes.

Submission:

GeneDx
Classification: Likely benign. Last evaluated: 2018-02-09. Review status: criteria provided, single submitter. Criteria: GeneDx Variant Classification (06012015). Collection method: clinical testing. Allele origin: germline. Affected: yes.
Comment: This variant is considered likely benign or benign based on one or more of the following criteria: it is a conservative change, it occurs at a poorly conserved position in the protein, it is predicted to be benign by multiple in silico algorithms, and/or has population frequency not consistent with disease.